The following is an entry in ClinVar:

NM_005045.4(RELN):c.9857T>A (p.Ile3286Asn)

Genes: RELN (reelin; minus strand), SLC26A5-AS1 (SLC26A5 antisense RNA 1; plus strand). Cytogenetic location: 7q22.1.
Variant type: single nucleotide variant.
Coding change: c.9857T>A on transcript NM_005045.4 (MANE Select); coding-DNA position 9857, T replaced by A.
Protein change: p.Ile3286Asn; replaces isoleucine 3286 with asparagine.
Molecular consequence: missense variant.
Genome position (GRCh38, 1-based): chr7:103,486,323, A>T on the plus strand (T>A on the coding strand, the complement: RELN is on the minus strand). VCF-style: chr7-103486323-A-T. GRCh37 (hg19) VCF-style: chr7-103126770-A-T.
Other names: c.9857T>A, p.Ile3286Asn (NM_173054.3); short protein forms I3286N.
Identifiers: ClinVar variation 1509756 (VCV001509756.8), dbSNP rs1828439294, ClinGen allele CA368741732.

ClinVar aggregate classification (germline): Uncertain significance (1 of 4 stars; one submission).

Conditions:
Norman-Roberts syndrome (LIS2). Also called: Lissencephaly 2 (Norman-Roberts type). Identifiers: Orphanet 89844, MedGen C0796089, MONDO:0009760, OMIM 257320.
Familial temporal lobe epilepsy 7. Identifiers: Orphanet 101046, MedGen C4225327, MONDO:0014639, OMIM 616436.

Submission:

Labcorp Genetics (formerly Invitae), Labcorp
Classification: Uncertain significance for Familial temporal lobe epilepsy 7; Norman-Roberts syndrome. Last evaluated: 2023-08-10. Review status: criteria provided, single submitter. Criteria: Invitae Variant Classification Sherloc (09022015). Collection method: clinical testing. Allele origin: germline.
Comment: In summary, the available evidence is currently insufficient to determine the role of this variant in disease. Therefore, it has been classified as a Variant of Uncertain Significance. Advanced modeling of protein sequence and biophysical properties (such as structural, functional, and spatial information, amino acid conservation, physicochemical variation, residue mobility, and thermodynamic stability) performed at Invitae indicates that this missense variant is not expected to disrupt RELN protein function. ClinVar contains an entry for this variant (Variation ID: 1509756). This variant has not been reported in the literature in individuals affected with RELN-related conditions. This variant is not present in population databases (gnomAD no frequency). This sequence change replaces isoleucine, which is neutral and non-polar, with asparagine, which is neutral and polar, at codon 3286 of the RELN protein (p.Ile3286Asn).